The following is an entry in ClinVar:

ClinVar aggregate classification (germline): Uncertain significance (1 of 4 stars; one submission).

Conditions:
Adult-onset proximal spinal muscular atrophy, autosomal dominant. Also called: FINKEL LATE-ADULT TYPE SMA; Spinal muscular atrophy, late-onset, finkel type. Identifiers: Orphanet 209335, MedGen C1854058, MONDO:0008453, OMIM 182980.
Amyotrophic lateral sclerosis type 8 (ALS8). Identifiers: Orphanet 803, MedGen C1837728, MONDO:0012077, OMIM 608627.

Allele frequency attached by ClinVar (database versions not stated): TOPMed below 0.00001; ExAC 0.00001; gnomAD exomes 0.00001; ESP Exome Variant Server 0.00008.
gnomAD v4.1: 3 of 1,614,138 alleles (0.00019%); highest among the groups gnomAD compares: Non-Finnish European, 0.00025%; no homozygotes.

Submission:

Labcorp Genetics (formerly Invitae), Labcorp
Classification: Uncertain significance for Adult-onset proximal spinal muscular atrophy, autosomal dominant; Amyotrophic lateral sclerosis type 8. Last evaluated: 2024-10-24. Review status: criteria provided, single submitter. Criteria: Invitae Variant Classification Sherloc (09022015). Collection method: clinical testing. Allele origin: germline.
Comment: This sequence change replaces isoleucine, which is neutral and non-polar, with valine, which is neutral and non-polar, at codon 208 of the VAPB protein (p.Ile208Val). This variant is present in population databases (rs376121617, gnomAD 0.003%). This variant has not been reported in the literature in individuals affected with VAPB-related conditions. ClinVar contains an entry for this variant (Variation ID: 1047783). Invitae Evidence Modeling of protein sequence and biophysical properties (such as structural, functional, and spatial information, amino acid conservation, physicochemical variation, residue mobility, and thermodynamic stability) indicates that this missense variant is not expected to disrupt VAPB protein function with a negative predictive value of 80%. In summary, the available evidence is currently insufficient to determine the role of this variant in disease. Therefore, it has been classified as a Variant of Uncertain Significance.

NM_004738.5(VAPB):c.622A>G (p.Ile208Val)

Gene: VAPB (VAMP associated protein B and C; plus strand). Cytogenetic location: 20q13.32.
Variant type: single nucleotide variant.
Coding change: c.622A>G on transcript NM_004738.5 (MANE Select); coding-DNA position 622, A replaced by G.
Protein change: p.Ile208Val; replaces isoleucine 208 with valine.
Molecular consequence: missense variant. On other transcripts: non-coding transcript variant (1).
Genome position (GRCh38, 1-based): chr20:58,444,125, A>G. VCF-style: chr20-58444125-A-G. GRCh37 (hg19) VCF-style: chr20-57019181-A-G.
Other names: c.260A>G, p.His87Arg (NM_001195677.2); short protein forms I208V, H87R.
Identifiers: ClinVar variation 1047783 (VCV001047783.9), dbSNP rs376121617, ClinGen allele CA9924317.
Genomic context (GRCh38, chr20:58,444,125, plus strand): 5'-TTGCTCCCGTAGGAAGAAGATGGACTGCGGATGAGGAAGACAGTGCAGAGCAACAGCCCC[A>G]TTTCAGCATTAGCCCCAACTGGGAAGGAAGAAGGCCTTAGCACCCGGCTCTTGGCTCTGG-3'
Protein context (NP_004729.1, residues 198-218): MRKTVQSNSP[Ile208Val]SALAPTGKEE